The following is an entry in ClinVar:

NM_004168.4(SDHA):c.64-2del

Gene: SDHA (succinate dehydrogenase complex flavoprotein subunit A; plus strand). Cytogenetic location: 5p15.33.
Variant type: Deletion.
Coding change: c.64-2del on transcript NM_004168.4 (MANE Select); the canonical splice acceptor site of the intron before coding-DNA position 64, one base deleted (A; older notation c.64-2delA).
Molecular consequence: splice acceptor variant.
Genome position (GRCh38, 1-based): chr5:223,480, A deleted. VCF-style (leftmost placement, unchanged base first): chr5-223479-CA-C. GRCh37 (hg19) VCF-style: chr5-223594-CA-C.
Other names: c.64-2del (NM_001330758.2, NM_001294332.2).
Identifiers: ClinVar variation 3904397 (VCV003904397.1).

ClinVar aggregate classification (germline): Likely pathogenic (1 of 4 stars; one submission).

Conditions:
Pheochromocytoma/paraganglioma syndrome 5. Also called: Paragangliomas 5; SDHA-Related Hereditary Paraganglioma-Pheochromocytoma Syndrome. Identifiers: Orphanet 29072, MedGen C3279992, MONDO:0013602, OMIM 614165.

Submission:

Myriad Genetics, Inc.
Classification: Likely pathogenic for Pheochromocytoma/paraganglioma syndrome 5. Last evaluated: 2025-02-06. Review status: criteria provided, single submitter. Criteria: Myriad Autosomal Dominant, Autosomal Recessive and X-Linked Classification Criteria (2023). Collection method: clinical testing. Allele origin: unknown.
Comment: This variant is considered likely pathogenic. This variant occurs within a consensus splice junction and is predicted to result in abnormal mRNA splicing of either an out-of-frame exon or an in-frame exon necessary for protein stability and/or normal function. Functional studies indicate this variant impacts protein function [PMID: 24781757].

Literature cited by the submitters: PubMed 24781757.